The following is an entry in ClinVar:

NM_006329.4(FBLN5):c.35T>C (p.Ile12Thr)

Gene: FBLN5 (fibulin 5; minus strand). Cytogenetic location: 14q32.12.
Variant type: single nucleotide variant.
Coding change: c.35T>C on transcript NM_006329.4 (MANE Select); coding-DNA position 35, T replaced by C.
Protein change: p.Ile12Thr; replaces isoleucine 12 with threonine.
Molecular consequence: missense variant. On other transcripts: 5 prime UTR variant (2).
Genome position (GRCh38, 1-based): chr14:91,942,944, A>G on the plus strand (T>C on the coding strand, the complement: FBLN5 is on the minus strand). VCF-style: chr14-91942944-A-G. GRCh37 (hg19) VCF-style: chr14-92409288-A-G.
Other names: c.35T>C, p.Ile12Thr (NM_001384160.1, NM_001384158.1); c.-235T>C (NM_001384161.1, NM_001384162.1); c.86T>C, p.Ile29Thr (NM_001384159.1); short protein forms I29T, I12T.
Identifiers: ClinVar variation 2881800 (VCV002881800.3), dbSNP rs2542913605, ClinGen allele CA390641485.

ClinVar aggregate classification (germline): Uncertain significance (1 of 4 stars; one submission).

Submission:

Labcorp Genetics (formerly Invitae), Labcorp
Classification: Uncertain significance. Last evaluated: 2023-07-16. Review status: criteria provided, single submitter. Criteria: Invitae Variant Classification Sherloc (09022015). Collection method: clinical testing. Allele origin: germline.
Comment: An algorithm developed to predict the effect of missense changes on protein structure and function (PolyPhen-2) suggests that this variant is likely to be tolerated. In summary, the available evidence is currently insufficient to determine the role of this variant in disease. Therefore, it has been classified as a Variant of Uncertain Significance. This variant has not been reported in the literature in individuals affected with FBLN5-related conditions. This variant is not present in population databases (gnomAD no frequency). This sequence change replaces isoleucine, which is neutral and non-polar, with threonine, which is neutral and polar, at codon 12 of the FBLN5 protein (p.Ile12Thr).